The following is an entry in ClinVar:

NM_172364.5(CACNA2D4):c.2090G>A (p.Arg697Gln)

Gene: CACNA2D4 (calcium voltage-gated channel auxiliary subunit alpha2delta 4; minus strand). Cytogenetic location: 12p13.33.
Variant type: single nucleotide variant.
Coding change: c.2090G>A on transcript NM_172364.5 (MANE Select); coding-DNA position 2090, G replaced by A.
Protein change: p.Arg697Gln; replaces arginine 697 with glutamine.
Molecular consequence: missense variant.
Genome position (GRCh38, 1-based): chr12:1,856,074, C>T on the plus strand (G>A on the coding strand, the complement: CACNA2D4 is on the minus strand). VCF-style: chr12-1856074-C-T. GRCh37 (hg19) VCF-style: chr12-1965240-C-T.
Other names: short protein forms R697Q.
Identifiers: ClinVar variation 849643 (VCV000849643.10), dbSNP rs577055633, ClinGen allele CA6386847.
Genomic context (GRCh38, chr12:1,856,074, plus strand): 5'-TCCAGGTCTGGGTCCTTCCTGGTGAGGAAGCGGATCATGGCCTCTAGCTGGCTGAGCTTC[C>T]GGTGGTCTGGGTCAATATCTGTGATGCAGTAGATCCTGAAACCCAGGAAAGTCAGTGTTA-3'
Protein context (NP_758952.4, residues 687-707): YCITDIDPDH[Arg697Gln]KLSQLEAMIR

ClinVar aggregate classification (germline): Uncertain significance. Review status: criteria provided, multiple submitters, no conflicts (2 of 4 stars). 3 submissions from 3 submitters: Uncertain significance (3). Last evaluated 2023-09-19.

Conditions:
Inborn genetic diseases. Identifiers: MedGen C0950123, MeSH D030342.

Allele frequency attached by ClinVar (database versions not stated): TOPMed below 0.00001; gnomAD 0.00001; ExAC 0.00002; gnomAD exomes 0.00003; 1000 Genomes Project 30x 0.00016; 1000 Genomes Project 0.00020.
gnomAD v4.1: 44 of 1,614,024 alleles (0.0027%); highest among the groups gnomAD compares: Middle Eastern, 0.016%; no homozygotes.

Submissions (3):

Labcorp Genetics (formerly Invitae), Labcorp
Classification: Uncertain significance. Last evaluated: 2023-09-19. Review status: criteria provided, single submitter. Criteria: Invitae Variant Classification Sherloc (09022015). Collection method: clinical testing. Allele origin: germline.
Comment: In summary, the available evidence is currently insufficient to determine the role of this variant in disease. Therefore, it has been classified as a Variant of Uncertain Significance. Algorithms developed to predict the effect of missense changes on protein structure and function output the following: SIFT: "Not Available"; PolyPhen-2: "Benign"; Align-GVGD: "Not Available". The glutamine amino acid residue is found in multiple mammalian species, which suggests that this missense change does not adversely affect protein function. ClinVar contains an entry for this variant (Variation ID: 849643). This variant has not been reported in the literature in individuals affected with CACNA2D4-related conditions. This variant is present in population databases (rs577055633, gnomAD 0.01%). This sequence change replaces arginine, which is basic and polar, with glutamine, which is neutral and polar, at codon 697 of the CACNA2D4 protein (p.Arg697Gln).

Ambry Genetics
Classification: Uncertain significance for Inborn genetic diseases. Last evaluated: 2023-08-28. Review status: criteria provided, single submitter. Criteria: Ambry Variant Classification Scheme 2023. Collection method: clinical testing. Allele origin: germline.

Blueprint Genetics
Classification: Uncertain significance. Last evaluated: 2019-11-01. Review status: criteria provided, single submitter. Criteria: ACMG Guidelines, 2015. Collection method: clinical testing. Allele origin: germline.